The following is an entry in ClinVar:

NM_003070.5(SMARCA2):c.3063G>A (p.Met1021Ile)

Gene: SMARCA2 (SWI/SNF related BAF chromatin remodeling complex subunit ATPase 2; plus strand). Cytogenetic location: 9p24.3.
Variant type: single nucleotide variant.
Coding change: c.3063G>A on transcript NM_003070.5 (MANE Select); coding-DNA position 3063, G replaced by A.
Protein change: p.Met1021Ile; replaces methionine 1021 with isoleucine.
Molecular consequence: missense variant.
Genome position (GRCh38, 1-based): chr9:2,097,456, G>A. VCF-style: chr9-2097456-G-A. GRCh37 (hg19) VCF-style: chr9-2097456-G-A.
Other names: c.3063G>A, p.Met1021Ile (NM_001289396.2, NM_139045.4); c.2889G>A, p.Met963Ile (NM_001289397.2); short protein forms M1021I, M963I.
Identifiers: ClinVar variation 3378340 (VCV003378340.2).

ClinVar aggregate classification (germline): Uncertain significance (1 of 4 stars; one submission).

Submission:

GeneDx
Classification: Uncertain significance. Last evaluated: 2026-01-20. Review status: criteria provided, single submitter. Criteria: GeneDx Variant Classification Process June 2021. Collection method: clinical testing. Allele origin: germline. Affected: yes.
Comment: Not observed at significant frequency in large population cohorts (gnomAD); In silico analysis supports that this missense variant has a deleterious effect on protein structure/function; Has not been previously published as pathogenic or benign to our knowledge